The following is an entry in ClinVar:

NM_012431.3(SEMA3E):c.912A>G (p.Thr304=)

Gene: SEMA3E (semaphorin 3E; minus strand). Cytogenetic location: 7q21.11.
Variant type: single nucleotide variant.
Coding change: c.912A>G on transcript NM_012431.3 (MANE Select); coding-DNA position 912, A replaced by G.
Protein change: p.Thr304=; no amino-acid change (threonine 304 retained).
Molecular consequence: synonymous variant.
Genome position (GRCh38, 1-based): chr7:83,405,961, T>C on the plus strand (A>G on the coding strand, the complement: SEMA3E is on the minus strand). VCF-style: chr7-83405961-T-C. GRCh37 (hg19) VCF-style: chr7-83035277-T-C.
Other names: c.732A>G, p.Thr244= (NM_001178129.2).
Identifiers: ClinVar variation 3355693 (VCV003355693.1).

ClinVar aggregate classification (germline): Likely benign (0 of 4 stars; one submission).

Conditions:
SEMA3E-related disorder. Also called: SEMA3E-related condition.

gnomAD v4.1: 1 of 1,611,768 alleles (0.000062%); highest among the groups gnomAD compares: African/African-American, 0.0013%; no homozygotes.

Submission:

PreventionGenetics, part of Exact Sciences
Classification: Likely benign for SEMA3E-related condition. Last evaluated: 2021-10-30. Review status: no assertion criteria provided. Collection method: clinical testing. Allele origin: germline.
Comment: This variant is classified as likely benign based on ACMG/AMP sequence variant interpretation guidelines (Richards et al. 2015 PMID: 25741868, with internal and published modifications).